The following is an entry in ClinVar:

NM_000117.3(EMD):c.92G>T (p.Arg31Leu)

Gene: EMD (emerin; plus strand). Cytogenetic location: Xq28.
Variant type: single nucleotide variant.
Coding change: c.92G>T on transcript NM_000117.3 (MANE Select); coding-DNA position 92, G replaced by T.
Protein change: p.Arg31Leu; replaces arginine 31 with leucine.
Molecular consequence: missense variant.
Genome position (GRCh38, 1-based): chrX:154,379,699, G>T. VCF-style: chrX-154379699-G-T. GRCh37 (hg19) VCF-style: chrX-153608059-G-T.
Other names: short protein forms R31L.
Identifiers: ClinVar variation 1519495 (VCV001519495.10), dbSNP rs2148128120, ClinGen allele CA415257306.
Genomic context (GRCh38, chrX:154,379,699, plus strand): 5'-CCCCGCGCGCCTTCCCCGGCCCGCGGCCCTGACCGCCCCGTGTCCGGCCAGGATCAACTC[G>T]TAGGCTTTACGAGAAGAAGATCTTCGAGTACGAGACCCAGAGGCGGCGGCTCTCGCCCCC-3'
Protein context (NP_000108.1, residues 21-41): IPHGPVVGST[Arg31Leu]RLYEKKIFEY

ClinVar aggregate classification (germline): Uncertain significance. Review status: criteria provided, multiple submitters, no conflicts (2 of 4 stars). 2 submissions from 2 submitters: Uncertain significance (2). Last evaluated 2023-12-14.

Conditions:
X-linked Emery-Dreifuss muscular dystrophy. Also called: Muscular dystrophy, tardive Emery-Dreifuss type, with contractures. Identifiers: Orphanet 261, Orphanet 98863, MedGen C0751337, MONDO:0010680.
Cardiovascular phenotype. Identifiers: MedGen CN230736.

Submissions (2):

Labcorp Genetics (formerly Invitae), Labcorp
Classification: Uncertain significance for X-linked Emery-Dreifuss muscular dystrophy. Last evaluated: 2023-12-14. Review status: criteria provided, single submitter. Criteria: Invitae Variant Classification Sherloc (09022015). Collection method: clinical testing. Allele origin: germline.
Comment: This sequence change replaces arginine, which is basic and polar, with leucine, which is neutral and non-polar, at codon 31 of the EMD protein (p.Arg31Leu). This variant is not present in population databases (gnomAD no frequency). This variant has not been reported in the literature in individuals affected with EMD-related conditions. ClinVar contains an entry for this variant (Variation ID: 1519495). Advanced modeling of protein sequence and biophysical properties (such as structural, functional, and spatial information, amino acid conservation, physicochemical variation, residue mobility, and thermodynamic stability) performed at Invitae indicates that this missense variant is expected to disrupt EMD protein function with a positive predictive value of 80%. In summary, the available evidence is currently insufficient to determine the role of this variant in disease. Therefore, it has been classified as a Variant of Uncertain Significance.

Ambry Genetics
Classification: Uncertain significance for Cardiovascular phenotype. Last evaluated: 2022-08-09. Review status: criteria provided, single submitter. Criteria: Ambry Variant Classification Scheme 2023. Collection method: clinical testing. Allele origin: germline.
Comment: The p.R31L variant (also known as c.92G>T), located in coding exon 2 of the EMD gene, results from a G to T substitution at nucleotide position 92. The arginine at codon 31 is replaced by leucine, an amino acid with dissimilar properties. This amino acid position is highly conserved in available vertebrate species. In addition, the in silico prediction for this alteration is inconclusive. Since supporting evidence is limited at this time, the clinical significance of this alteration remains unclear.